The following is an entry in ClinVar:

NM_000051.4(ATM):c.5996T>A (p.Ile1999Lys)

Genes: ATM (ATM serine/threonine kinase; plus strand), C11orf65 (chromosome 11 open reading frame 65; minus strand). Cytogenetic location: 11q22.3.
Variant type: single nucleotide variant.
Coding change: c.5996T>A on transcript NM_000051.4 (MANE Select); coding-DNA position 5996, T replaced by A.
Protein change: p.Ile1999Lys; replaces isoleucine 1999 with lysine.
Molecular consequence: missense variant. On other transcripts: intron variant (2).
Genome position (GRCh38, 1-based): chr11:108,312,488, T>A. VCF-style: chr11-108312488-T-A. GRCh37 (hg19) VCF-style: chr11-108183215-T-A.
Other names: c.5996T>A, p.Ile1999Lys (NM_001351834.2); c.641-3417A>T (NM_001330368.2); c.*39-3417A>T (NM_001351110.2); short protein forms I1999K.
Identifiers: ClinVar variation 1403079 (VCV001403079.10), dbSNP rs2136063107, ClinGen allele CA382548795.

ClinVar aggregate classification (germline): Uncertain significance. Review status: criteria provided, multiple submitters, no conflicts (2 of 4 stars). 3 submissions from 3 submitters: Uncertain significance (3). Last evaluated 2024-10-03.

Conditions:
Ataxia-telangiectasia syndrome (AT). Also called: Ataxia-telangiectasia; LOUIS-BAR SYNDROME; Ataxia-telangiectasia, complementation group D; AT, COMPLEMENTATION GROUP C; ATAXIA-TELANGIECTASIA, COMPLEMENTATION GROUP A; ATAXIA-TELANGIECTASIA, FRESNO VARIANT. Identifiers: Orphanet 100, MedGen C0004135, MONDO:0008840, OMIM 208900.
Hereditary cancer-predisposing syndrome. Also called: Tumor predisposition; Neoplastic Syndromes, Hereditary; Hereditary Cancer Syndrome; Hereditary neoplastic syndrome. Identifiers: Orphanet 140162, MedGen C0027672, MeSH D009386, MONDO:0015356.
Familial cancer of breast. Also called: BREAST CANCER, FAMILIAL; Hereditary breast cancer; hereditary breast carcinoma. Identifiers: Orphanet 227535, MedGen C0346153, MONDO:0016419, OMIM 114480. Disease mechanism: loss of function.

Submissions (3):

Ambry Genetics
Classification: Uncertain significance for Hereditary cancer-predisposing syndrome. Last evaluated: 2024-10-03. Review status: criteria provided, single submitter. Criteria: Ambry Variant Classification Scheme 2023. Collection method: clinical testing. Allele origin: germline.
Comment: The p.I1999K variant (also known as c.5996T>A), located in coding exon 39 of the ATM gene, results from a T to A substitution at nucleotide position 5996. The isoleucine at codon 1999 is replaced by lysine, an amino acid with dissimilar properties. This amino acid position is well conserved in available vertebrate species. In addition, the in silico prediction for this alteration is inconclusive. Based on the available evidence, the clinical significance of this variant remains unclear.

Labcorp Genetics (formerly Invitae), Labcorp
Classification: Uncertain significance for Ataxia-telangiectasia syndrome. Last evaluated: 2023-10-24. Review status: criteria provided, single submitter. Criteria: Invitae Variant Classification Sherloc (09022015). Collection method: clinical testing. Allele origin: germline.
Comment: This sequence change replaces isoleucine, which is neutral and non-polar, with lysine, which is basic and polar, at codon 1999 of the ATM protein (p.Ile1999Lys). This variant is not present in population databases (gnomAD no frequency). This variant has not been reported in the literature in individuals affected with ATM-related conditions. ClinVar contains an entry for this variant (Variation ID: 1403079). An algorithm developed to predict the effect of missense changes on protein structure and function (PolyPhen-2) suggests that this variant¬†is likely to be tolerated. In summary, the available evidence is currently insufficient to determine the role of this variant in disease. Therefore, it has been classified as a Variant of Uncertain Significance.

Baylor Genetics
Classification: Uncertain significance for Familial cancer of breast. Last evaluated: 2023-05-24. Review status: criteria provided, single submitter. Criteria: ACMG Guidelines, 2015. Collection method: clinical testing. Allele origin: unknown.